The following is an entry in ClinVar:

NM_001080.3(ALDH5A1):c.1456G>C (p.Glu486Gln)

Gene: ALDH5A1 (aldehyde dehydrogenase 5 family member A1; plus strand). Cytogenetic location: 6p22.3.
Variant type: single nucleotide variant.
Coding change: c.1456G>C on transcript NM_001080.3 (MANE Select); coding-DNA position 1456, G replaced by C.
Protein change: p.Glu486Gln; replaces glutamic acid 486 with glutamine.
Molecular consequence: missense variant.
Genome position (GRCh38, 1-based): chr6:24,533,560, G>C. VCF-style: chr6-24533560-G-C. GRCh37 (hg19) VCF-style: chr6-24533788-G-C.
Other names: c.1312G>C, p.Glu438Gln (NM_001368954.1); c.1495G>C, p.Glu499Gln (NM_170740.1); short protein forms E438Q, E486Q, E499Q.
Identifiers: ClinVar variation 904201 (VCV000904201.4), dbSNP rs1759977925, ClinGen allele CA362967491.
Genomic context (GRCh38, chr6:24,533,560, plus strand): 5'-GTGACAGGTTATTTTTACTCTCAAGACCCAGCCCAGATCTGGAGAGTGGCAGAGCAGCTG[G>C]AAGTGGGCATGGTTGGCGTCAACGAAGGATTAATTTCCTCTGTGGAGTGCCCTTTTGGTG-3'
Protein context (NP_001071.1, residues 476-496): AQIWRVAEQL[Glu486Gln]VGMVGVNEGL

ClinVar aggregate classification (germline): Uncertain significance (1 of 4 stars; one submission).

Conditions:
Succinate-semialdehyde dehydrogenase deficiency (SSADHD). Also called: Succinic Semialdehyde Dehydrogenase Deficiency; 4-HYDROXYBUTYRIC ACIDURIA; GABA METABOLIC DEFECT; SSADH DEFICIENCY. Identifiers: Orphanet 22, MedGen C0268631, MONDO:0010083, OMIM 271980.

Allele frequency attached by ClinVar (database versions not stated): gnomAD exomes below 0.00001.

Submission:

Illumina Laboratory Services, Illumina
Classification: Uncertain significance for Succinate-semialdehyde dehydrogenase deficiency. Last evaluated: 2017-04-28. Review status: criteria provided, single submitter. Criteria: ICSL Variant Classification Criteria 13 December 2019. Collection method: clinical testing. Allele origin: germline.
Comment: This variant was observed as part of a predisposition screen in an ostensibly healthy population. A literature search was performed for the gene, cDNA change, and amino acid change (where applicable). Publications were found based on this search. However, the evidence from the literature, in combination with allele frequency data from public databases where available, was not sufficient to rule this variant in or out of causing disease. Therefore, this variant is classified as a variant of unknown significance.

Literature cited by the submitters: PubMed 22437753.